The following is an entry in ClinVar:

NM_001020658.2(PUM1):c.547T>A (p.Ser183Thr)

Gene: PUM1 (pumilio RNA binding family member 1; minus strand). Cytogenetic location: 1p35.2.
Variant type: single nucleotide variant.
Coding change: c.547T>A on transcript NM_001020658.2 (MANE Select); coding-DNA position 547, T replaced by A.
Protein change: p.Ser183Thr; replaces serine 183 with threonine.
Molecular consequence: missense variant.
Genome position (GRCh38, 1-based): chr1:31,006,026, A>T on the plus strand (T>A on the coding strand, the complement: PUM1 is on the minus strand). VCF-style: chr1-31006026-A-T. GRCh37 (hg19) VCF-style: chr1-31478873-A-T.
Other names: c.547T>A, p.Ser183Thr (NM_014676.3); short protein forms S183T.
Identifiers: ClinVar variation 1806526 (VCV001806526.1), dbSNP rs1035865342, ClinGen allele CA20089743.

ClinVar aggregate classification (germline): Uncertain significance (1 of 4 stars; one submission).

Allele frequency attached by ClinVar (database versions not stated): gnomAD 0.00001; gnomAD exomes 0.00001; TOPMed 0.00002.
gnomAD v4.1: 16 of 1,599,336 alleles (0.001%); highest among the groups gnomAD compares: Non-Finnish European, 0.0013%; no homozygotes.

Submission:

GeneDx
Classification: Uncertain significance. Last evaluated: 2022-06-23. Review status: criteria provided, single submitter. Criteria: GeneDx Variant Classification Process June 2021. Collection method: clinical testing. Allele origin: germline. Affected: yes.
Comment: Not observed at significant frequency in large population cohorts (gnomAD); In silico analysis supports that this missense variant does not alter protein structure/function; Has not been previously published as pathogenic or benign to our knowledge